The following is an entry in ClinVar:

ClinVar aggregate classification (germline): Conflicting classifications of pathogenicity. Review status: criteria provided, conflicting classifications (1 of 4 stars). 2 submissions from 2 submitters: Uncertain significance (1); Likely benign (1). Last evaluated 2025-10-08.

Conditions:
Hereditary cancer-predisposing syndrome. Also called: Hereditary Cancer Syndrome; Neoplastic Syndromes, Hereditary; Tumor predisposition; Hereditary neoplastic syndrome. Identifiers: Orphanet 140162, MedGen C0027672, MeSH D009386, MONDO:0015356.
Fanconi anemia complementation group O. Also called: RAD51C-Related Fanconi Anemia. Identifiers: Orphanet 84, MedGen C3150653, MONDO:0013248, OMIM 613390.

Submissions (2):

Ambry Genetics
Classification: Likely benign for Hereditary cancer-predisposing syndrome. Last evaluated: 2025-10-08. Review status: criteria provided, single submitter. Criteria: Ambry Variant Classification Scheme 2023. Collection method: clinical testing. Allele origin: germline.

Labcorp Genetics (formerly Invitae), Labcorp
Classification: Uncertain significance for Fanconi anemia complementation group O. Last evaluated: 2020-11-26. Review status: criteria provided, single submitter. Criteria: Invitae Variant Classification Sherloc (09022015). Collection method: clinical testing. Allele origin: germline.
Comment: In summary, the available evidence is currently insufficient to determine the role of this variant in disease. Therefore, it has been classified as a Variant of Uncertain Significance. Algorithms developed to predict the effect of missense changes on protein structure and function (SIFT, PolyPhen-2, Align-GVGD) all suggest that this variant is likely to be tolerated, but these predictions have not been confirmed by published functional studies and their clinical significance is uncertain. This variant has not been reported in the literature in individuals with RAD51C-related conditions. ClinVar contains an entry for this variant (Variation ID: 187480). This variant is not present in population databases (ExAC no frequency). This sequence change replaces isoleucine with threonine at codon 311 of the RAD51C protein (p.Ile311Thr). The isoleucine residue is moderately conserved and there is a moderate physicochemical difference between isoleucine and threonine.

NM_058216.3(RAD51C):c.932T>C (p.Ile311Thr)

Gene: RAD51C (RAD51 paralog C; plus strand). Cytogenetic location: 17q22.
Variant type: single nucleotide variant.
Coding change: c.932T>C on transcript NM_058216.3 (MANE Select); coding-DNA position 932, T replaced by C.
Protein change: p.Ile311Thr; replaces isoleucine 311 with threonine.
Molecular consequence: missense variant. On other transcripts: non-coding transcript variant (1).
Genome position (GRCh38, 1-based): chr17:58,724,067, T>C. VCF-style: chr17-58724067-T-C. GRCh37 (hg19) VCF-style: chr17-56801428-T-C.
Other names: short protein forms I311T.
Identifiers: ClinVar variation 187480 (VCV000187480.14), dbSNP rs786203766, ClinGen allele CA197750.